The following is an entry in ClinVar:

ClinVar aggregate classification (germline): Likely benign. Review status: criteria provided, multiple submitters, no conflicts (2 of 4 stars). 6 submissions from 6 submitters: Likely benign (5). 1 of the submissions does not count toward it. Last evaluated 2026-02-02.

Conditions:
Inborn genetic diseases. Identifiers: MedGen C0950123, MeSH D030342.
Pitt-Hopkins-like syndrome 2 (PTHSL2). Identifiers: Orphanet 221150, Orphanet 600663, MedGen C3280479, MONDO:0013690, OMIM 614325.
NRXN1-related disorder.

Allele frequency attached by ClinVar (database versions not stated): ESP Exome Variant Server 0.00008; gnomAD 0.00010; TOPMed 0.00011; gnomAD exomes 0.00012; ExAC 0.00014.
gnomAD v4.1: 217 of 1,613,226 alleles (0.013%); highest among the groups gnomAD compares: Non-Finnish European, 0.018%; no homozygotes.

Submissions (6):

Labcorp Genetics (formerly Invitae), Labcorp
Classification: Likely benign for Pitt-Hopkins-like syndrome 2. Last evaluated: 2026-02-02. Review status: criteria provided, single submitter. Criteria: Invitae Variant Classification Sherloc (09022015). Collection method: clinical testing. Allele origin: germline.

Ambry Genetics
Classification: Likely benign for Inborn genetic diseases. Last evaluated: 2017-05-30. Review status: criteria provided, single submitter. Criteria: Ambry Variant Classification Scheme 2023. Collection method: clinical testing. Allele origin: germline.

Genetic Services Laboratory, University of Chicago
Classification: Likely benign. Last evaluated: 2016-07-21. Review status: criteria provided, single submitter. Criteria: ACMG Guidelines, 2015. Collection method: clinical testing. Allele origin: germline. Affected: no.

GeneDx
Classification: Likely benign. Last evaluated: 2016-06-06. Review status: criteria provided, single submitter. Criteria: GeneDx Variant Classification (06012015). Collection method: clinical testing. Allele origin: germline. Affected: yes.
Comment: This variant is considered likely benign or benign based on one or more of the following criteria: it is a conservative change, it occurs at a poorly conserved position in the protein, it is predicted to be benign by multiple in silico algorithms, and/or has population frequency not consistent with disease.

Breakthrough Genomics
Classification: Likely benign. Review status: criteria provided, single submitter. Criteria: ACMG Guidelines, 2015. Collection method: not provided. Allele origin: germline. Inheritance: Autosomal recessive inheritance. Affected: yes.

PreventionGenetics, part of Exact Sciences
Classification: Likely benign for NRXN1-related condition. Last evaluated: 2019-09-10. Review status: no assertion criteria provided. Collection method: clinical testing. Allele origin: germline. Not counted in ClinVar's aggregate classification.
Comment: This variant is classified as likely benign based on ACMG/AMP sequence variant interpretation guidelines (Richards et al. 2015 PMID: 25741868, with internal and published modifications).

NM_001330078.2(NRXN1):c.1050C>G (p.Ala350=)

Gene: NRXN1 (neurexin 1; minus strand). Cytogenetic location: 2p16.3.
Variant type: single nucleotide variant.
Coding change: c.1050C>G on transcript NM_001330078.2 (MANE Select); coding-DNA position 1050, C replaced by G.
Protein change: p.Ala350=; no amino-acid change (alanine 350 retained).
Molecular consequence: synonymous variant.
Genome position (GRCh38, 1-based): chr2:50,623,398, G>C on the plus strand (C>G on the coding strand, the complement: NRXN1 is on the minus strand). VCF-style: chr2-50623398-G-C. GRCh37 (hg19) VCF-style: chr2-50850536-G-C.
Other names: c.1149C>G (NM_001135659.2); c.1149C>G, p.Ala383= (NM_001135659.3); c.1050C>G, p.Ala350= (NM_001330077.2, NM_001330082.2, NM_001330085.2 and 3 more transcripts); c.990C>G, p.Ala330= (NM_001330083.2, NM_001330084.2, NM_001330087.2 and 1 more transcripts); c.1020C>G, p.Ala340= (NM_001330088.2); c.1047C>G, p.Ala349= (NM_001330093.2); c.1038C>G, p.Ala346= (NM_001330094.2).
Identifiers: ClinVar variation 386759 (VCV000386759.24), dbSNP rs201397488, ClinGen allele CA1655132.